The following is an entry in ClinVar:

ClinVar aggregate classification (germline): Uncertain significance (1 of 4 stars; one submission).

Submission:

Labcorp Genetics (formerly Invitae), Labcorp
Classification: Uncertain significance. Last evaluated: 2021-12-24. Review status: criteria provided, single submitter. Criteria: Invitae Variant Classification Sherloc (09022015). Collection method: clinical testing. Allele origin: germline.
Comment: In summary, the available evidence is currently insufficient to determine the role of this variant in disease. Therefore, it has been classified as a Variant of Uncertain Significance. Experimental studies and prediction algorithms are not available or were not evaluated, and the functional significance of this variant is currently unknown. A similar copy number variant has been observed in individual(s) with albinism (Invitae). This variant results in a copy number gain of the genomic region encompassing exon(s) 1-6 of the OCA2 gene. This region includes the initiator codon of the gene. This copy number gain extends beyond the assayed region for this gene and therefore may encompass additional genes. As the precise location of this event is unknown, it may be in tandem or it may be located elsewhere in the genome.

NC_000015.9:g.(?_28267627)_(28391510_?)dup

Genes: HERC2 (HECT and RLD domain containing E3 ubiquitin protein ligase 2; minus strand), OCA2 (OCA2 melanosomal transmembrane protein; minus strand). Cytogenetic location: 15q13.1.
Variant type: Duplication.
Identifiers: ClinVar variation 2422778 (VCV002422778.4).